The following is an entry in ClinVar:

ClinVar aggregate classification (germline): Uncertain significance (1 of 4 stars; one submission).

Conditions:
Hereditary nonpolyposis colorectal neoplasms. Identifiers: MedGen C0009405, MeSH D003123.

Submission:

Labcorp Genetics (formerly Invitae), Labcorp
Classification: Uncertain significance for Hereditary nonpolyposis colorectal neoplasms. Last evaluated: 2024-07-30. Review status: criteria provided, single submitter. Criteria: Invitae Variant Classification Sherloc (09022015). Collection method: clinical testing. Allele origin: germline.
Comment: This sequence change replaces leucine, which is neutral and non-polar, with isoleucine, which is neutral and non-polar, at codon 162 of the PMS2 protein (p.Leu162Ile). This variant is not present in population databases (gnomAD no frequency). This variant has not been reported in the literature in individuals affected with PMS2-related conditions. ClinVar contains an entry for this variant (Variation ID: 455724). Advanced modeling of protein sequence and biophysical properties (such as structural, functional, and spatial information, amino acid conservation, physicochemical variation, residue mobility, and thermodynamic stability) has been performed at Invitae for this missense variant, however the output from this modeling did not meet the statistical confidence thresholds required to predict the impact of this variant on PMS2 protein function. In summary, the available evidence is currently insufficient to determine the role of this variant in disease. Therefore, it has been classified as a Variant of Uncertain Significance.

NM_000535.7(PMS2):c.484T>A (p.Leu162Ile)

Gene: PMS2 (PMS1 homolog 2, mismatch repair system component; minus strand). Cytogenetic location: 7p22.1.
Variant type: single nucleotide variant.
Coding change: c.484T>A on transcript NM_000535.7 (MANE Select); coding-DNA position 484, T replaced by A.
Protein change: p.Leu162Ile; replaces leucine 162 with isoleucine.
Molecular consequence: missense variant. On other transcripts: 5 prime UTR variant (2), non-coding transcript variant (1).
Genome position (GRCh38, 1-based): chr7:6,002,506, A>T on the plus strand (T>A on the coding strand, the complement: PMS2 is on the minus strand). VCF-style: chr7-6002506-A-T. GRCh37 (hg19) VCF-style: chr7-6042137-A-T.
Other names: c.79T>A, p.Leu27Ile (NM_001322003.2, NM_001322004.2, NM_001322005.2 and 3 more transcripts); c.484T>A, p.Leu162Ile (NM_001322006.2, NM_001322014.2); c.166T>A, p.Leu56Ile (NM_001322007.2, NM_001322008.2); c.-401T>A (NM_001322011.2, NM_001322012.2); c.175T>A, p.Leu59Ile (NM_001322015.2); short protein forms L162I, L27I, L59I, L56I.
Identifiers: ClinVar variation 455724 (VCV000455724.8), dbSNP rs1554303909, ClinGen allele CA366744261.